The following is an entry in ClinVar:

NM_000441.2(SLC26A4):c.886A>G (p.Ile296Val)

Gene: SLC26A4 (solute carrier family 26 member 4; plus strand). Cytogenetic location: 7q22.3.
Variant type: single nucleotide variant.
Coding change: c.886A>G on transcript NM_000441.2 (MANE Select); coding-DNA position 886, A replaced by G.
Protein change: p.Ile296Val; replaces isoleucine 296 with valine.
Molecular consequence: missense variant.
Genome position (GRCh38, 1-based): chr7:107,683,322, A>G. VCF-style: chr7-107683322-A-G. GRCh37 (hg19) VCF-style: chr7-107323767-A-G.
Other names: short protein forms I296V.
Identifiers: ClinVar variation 811579 (VCV000811579.10), dbSNP rs761613436, ClinGen allele CA4432602.

ClinVar aggregate classification (germline): Uncertain significance. Review status: criteria provided, multiple submitters, no conflicts (2 of 4 stars). 3 submissions from 3 submitters: Uncertain significance (2). 1 of the submissions does not count toward it. Last evaluated 2023-09-24.

Conditions:
Pendred syndrome (PDS). Also called: GOITER-DEAFNESS SYNDROME; HYPOTHYROIDISM, CONGENITAL, DUE TO DYSHORMONOGENESIS, 2B; THYROID DYSHORMONOGENESIS 2B; THYROID HORMONOGENESIS, GENETIC DEFECT IN, 2B; DEAFNESS WITH GOITER; Pendred's syndrome. Identifiers: Orphanet 705, MedGen C0271829, MONDO:0010134, OMIM 274600.

Allele frequency attached by ClinVar (database versions not stated): gnomAD exomes below 0.00001 and 0.00001; ExAC 0.00001; gnomAD 0.00001; TOPMed 0.00001.
gnomAD v4.1: 9 of 1,613,788 alleles (0.00056%); highest among the groups gnomAD compares: Non-Finnish European, 0.00076%; no homozygotes.

Submissions (3):

Blueprint Genetics
Classification: Uncertain significance. Last evaluated: 2023-09-24. Review status: criteria provided, single submitter. Criteria: ACMG Guidelines, 2015. Collection method: clinical testing. Allele origin: germline.

ARUP Laboratories, Molecular Genetics and Genomics, ARUP Laboratories
Classification: Uncertain significance. Last evaluated: 2018-12-19. Review status: criteria provided, single submitter. Criteria: ARUP Molecular Germline Variant Investigation Process. Collection method: clinical testing. Allele origin: germline.
Comment: The SLC26A4 c.886A>G; p.Ile296Val variant (rs761613436), to our knowledge, is not reported in the medical literature or gene specific databases. This variant is found on a single chromosome in the Genome Aggregation Database, indicating it is not a common polymorphism. The isoleucine at codon 296 is moderately conserved, but computational analyses (SIFT: damaging, PolyPhen-2: benign) predict conflicting effects of this variant on protein structure/function. Due to limited information, the clinical significance of the p.Ile296Val variant is uncertain at this time.

Natera, Inc.
Classification: Uncertain significance for Pendred syndrome. Last evaluated: 2020-07-11. Review status: no assertion criteria provided. Collection method: clinical testing. Allele origin: germline. Not counted in ClinVar's aggregate classification.